The following is an entry in ClinVar:

ClinVar aggregate classification (germline): Likely pathogenic (1 of 4 stars; one submission).

Conditions:
Dilated cardiomyopathy 1G (CMD1G). Identifiers: Orphanet 154, MedGen C1858763, MONDO:0011400, OMIM 604145.
Autosomal recessive limb-girdle muscular dystrophy type 2J (LGMDR10). Also called: MUSCULAR DYSTROPHY, LIMB-GIRDLE, AUTOSOMAL RECESSIVE 10; Limb-girdle muscular dystrophy, type 2J. Identifiers: Orphanet 140922, MedGen C1837342, MONDO:0012127, OMIM 608807.

Allele frequency attached by ClinVar (database versions not stated): TOPMed below 0.00001; gnomAD 0.00001.

Submission:

Labcorp Genetics (formerly Invitae), Labcorp
Classification: Likely pathogenic for Dilated cardiomyopathy 1G; Autosomal recessive limb-girdle muscular dystrophy type 2J. Last evaluated: 2022-05-02. Review status: criteria provided, single submitter. Criteria: Invitae Variant Classification Sherloc (09022015). Collection method: clinical testing. Allele origin: germline.
Comment: In summary, the currently available evidence indicates that the variant is pathogenic, but additional data are needed to prove that conclusively. Therefore, this variant has been classified as Likely Pathogenic. This variant is located in the A band of TTN (PMID: 25589632). Truncating variants in this region are significantly overrepresented in patients affected with dilated cardiomyopathy (PMID: 25589632). Truncating variants in this region have also been reported in individuals affected with autosomal recessive centronuclear myopathy (PMID: 23975875). This variant has not been reported in the literature in individuals affected with TTN-related conditions. This variant is not present in population databases (gnomAD no frequency). This sequence change creates a premature translational stop signal (p.Ala30666Profs*4) in the TTN gene. While this is not anticipated to result in nonsense mediated decay, it is expected to create a truncated TTN protein.

Literature cited by the submitters: PubMed 25589632; PubMed 23975875.

NM_001267550.2(TTN):c.91993del (p.Ala30666fs)

Genes: TTN-AS1 (TTN antisense RNA 1; plus strand), TTN (titin; minus strand). Cytogenetic location: 2q31.2.
Variant type: Deletion.
Coding change: c.91993del on transcript NM_001267550.2 (MANE Select); coding-DNA position 91993, one base deleted (C; older notation c.91993delC).
Protein change: p.Ala30666fs; shifts the reading frame from alanine 30666.
Molecular consequence: frameshift variant.
Genome position (GRCh38, 1-based): chr2:178,549,729, G deleted on the plus strand (C on the coding strand, the reverse complement: TTN is on the minus strand). VCF-style (leftmost placement, unchanged base first): chr2-178549728-AG-A. GRCh37 (hg19) VCF-style: chr2-179414455-AG-A.
Other names: c.87070del, p.Ala29025fs (NM_001256850.1); c.64798del, p.Ala21601fs (NM_003319.4); c.84289del, p.Ala28098fs (NM_133378.4); c.65173del, p.Ala21726fs (NM_133432.3); c.65374del, p.Ala21793fs (NM_133437.4); short protein forms A28098fs, A21601fs, A21726fs, A29025fs, A30666fs, A21793fs.
Identifiers: ClinVar variation 2133030 (VCV002133030.4), dbSNP rs1184406908, ClinGen allele CA761287273.